The following is an entry in ClinVar:

NM_000377.3(WAS):c.100C>T (p.Arg34Ter)

Gene: WAS (WASP actin nucleation promoting factor; plus strand). Cytogenetic location: Xp11.23.
Variant type: single nucleotide variant.
Coding change: c.100C>T on transcript NM_000377.3 (MANE Select); coding-DNA position 100, C replaced by T.
Protein change: p.Arg34Ter; replaces arginine 34 with a stop codon.
Molecular consequence: nonsense.
Genome position (GRCh38, 1-based): chrX:48,683,953, C>T. VCF-style: chrX-48683953-C-T. GRCh37 (hg19) VCF-style: chrX-48542342-C-T.
Other names: short protein forms R34*.
Identifiers: ClinVar variation 11119 (VCV000011119.4), dbSNP rs132630271, ClinGen allele CA341005.
Genomic context (GRCh38, chrX:48,683,953, plus strand): 5'-GGAGCACCAGCGGTTCAGCAGAACATACCCTCCACCCTCCTCCAGGACCACGAGAACCAG[C>T]GACTCTTTGAGATGCTTGGACGAAAATGCTTGGTGAGCTGGGGATCTCCTGCCCCCGCCC-3'

ClinVar aggregate classification (germline): Pathogenic. Review status: criteria provided, single submitter (1 of 4 stars). 2 submissions from 2 submitters: Pathogenic (1). 1 of the submissions does not count toward it. Last evaluated 2025-10-19.

Conditions:
Thrombocytopenia 1. Also called: THROMBOCYTOPENIA, X-LINKED, 1; X-Linked Thrombocytopenia (XLT); X-linked thrombocytopenia with normal platelets. Identifiers: Orphanet 268322, Orphanet 852, MedGen C1839163, MONDO:0010743, OMIM 313900.
Wiskott-Aldrich syndrome (WAS). Also called: ALDRICH SYNDROME; IMMUNODEFICIENCY 2; WISKOTT-ALDRICH SYNDROME 1; Wiskott-aldrich syndrome, somatic. Identifiers: Orphanet 906, MedGen C0043194, MONDO:0010518, OMIM 301000.
X-linked severe congenital neutropenia (SCNX). Identifiers: Orphanet 86788, MedGen C1845987, MONDO:0010294, OMIM 300299.

Submissions (2):

Labcorp Genetics (formerly Invitae), Labcorp
Classification: Pathogenic for Wiskott-Aldrich syndrome; X-linked severe congenital neutropenia; Thrombocytopenia 1. Last evaluated: 2025-10-19. Review status: criteria provided, single submitter. Criteria: Invitae Variant Classification Sherloc (09022015). Collection method: clinical testing. Allele origin: germline.
Comment: This sequence change creates a premature translational stop signal (p.Arg34*) in the WAS gene. It is expected to result in an absent or disrupted protein product. Loss-of-function variants in WAS are known to be pathogenic (PMID: 15284122). This variant is not present in population databases (gnomAD no frequency). This premature translational stop signal has been observed in individual(s) with WAS-related conditions (PMID: 7753869, 32812413, 35874699). ClinVar contains an entry for this variant (Variation ID: 11119). For these reasons, this variant has been classified as Pathogenic.

OMIM
Classification: Pathogenic for WISKOTT-ALDRICH SYNDROME. Last evaluated: 1995-10-01. Review status: no assertion criteria provided. Collection method: literature only. Allele origin: germline. Not counted in ClinVar's aggregate classification.

Literature cited by the submitters: PubMed 15284122 (cited by Labcorp Genetics (formerly Invitae), Labcorp); PubMed 7753869 (cited by Labcorp Genetics (formerly Invitae), Labcorp); PubMed 32812413 (cited by Labcorp Genetics (formerly Invitae), Labcorp); PubMed 35874699 (cited by Labcorp Genetics (formerly Invitae), Labcorp); PubMed 8595430 (cited by OMIM).